The following is an entry in ClinVar:

ClinVar aggregate classification (germline): Uncertain significance. Review status: criteria provided, multiple submitters, no conflicts (2 of 4 stars). 2 submissions from 2 submitters: Uncertain significance (2). Last evaluated 2024-04-12.

Conditions:
Familial dysautonomia. Also called: FD; HSAN III. Identifiers: Orphanet 1764, MedGen C0013364, MONDO:0009131, OMIM 223900. Disease mechanism: loss of function.
Medulloblastoma (MDB). Also called: MEDULLOBLASTOMA PREDISPOSITION SYNDROME; Medulloblastoma, somatic. Identifiers: Orphanet 616, MedGen C0025149, MeSH D008527, MONDO:0007959, OMIM 155255, HP:0002885.

Allele frequency attached by ClinVar (database versions not stated): ExAC 0.00001; gnomAD 0.00001.
gnomAD v4.1: 3 of 1,606,556 alleles (0.00019%); highest among the groups gnomAD compares: Non-Finnish European, 0.00026%; no homozygotes.

Submissions (2):

Fulgent Genetics
Classification: Uncertain significance for Medulloblastoma; Familial dysautonomia. Last evaluated: 2024-04-12. Review status: criteria provided, single submitter. Criteria: ACMG Guidelines, 2015. Collection method: clinical testing. Allele origin: germline.

Ambry Genetics
Classification: Uncertain significance. Last evaluated: 2022-05-21. Review status: criteria provided, single submitter. Criteria: Ambry Variant Classification Scheme 2023. Collection method: clinical testing. Allele origin: germline.
Comment: The p.V1309F variant (also known as c.3925G>T), located in coding exon 35 of the IKBKAP gene, results from a G to T substitution at nucleotide position 3925. The valine at codon 1309 is replaced by phenylalanine, an amino acid with highly similar properties. This amino acid position is conserved. In addition, this alteration is predicted to be tolerated by in silico analysis. Since supporting evidence is limited at this time, the clinical significance of this alteration remains unclear.

NM_003640.5(ELP1):c.3925G>T (p.Val1309Phe)

Gene: ELP1 (elongator acetyltransferase complex subunit 1; minus strand). Cytogenetic location: 9q31.3.
Variant type: single nucleotide variant.
Coding change: c.3925G>T on transcript NM_003640.5 (MANE Select); coding-DNA position 3925, G replaced by T.
Protein change: p.Val1309Phe; replaces valine 1309 with phenylalanine.
Molecular consequence: missense variant.
Genome position (GRCh38, 1-based): chr9:108,874,901, C>A on the plus strand (G>T on the coding strand, the complement: ELP1 is on the minus strand). VCF-style: chr9-108874901-C-A. GRCh37 (hg19) VCF-style: chr9-111637181-C-A.
Other names: c.3583G>T, p.Val1195Phe (NM_001318360.2); c.2878G>T, p.Val960Phe (NM_001330749.2); short protein forms V1195F, V1309F, V960F.
Identifiers: ClinVar variation 1800024 (VCV001800024.3), dbSNP rs758997539, ClinGen allele CA5174134.